The following is an entry in ClinVar:

ClinVar aggregate classification (germline): Uncertain significance (1 of 4 stars; one submission).

Submission:

Ambry Genetics
Classification: Uncertain significance. Last evaluated: 2024-10-17. Review status: criteria provided, single submitter. Criteria: Ambry Variant Classification Scheme 2023. Collection method: clinical testing. Allele origin: germline.
Comment: The p.P127S variant (also known as c.379C>T), located in coding exon 2 of the IDH1 gene, results from a C to T substitution at nucleotide position 379. The proline at codon 127 is replaced by serine, an amino acid with similar properties. This amino acid position is conserved. In addition, this alteration is predicted to be deleterious by in silico analysis. Since supporting evidence is limited at this time, the clinical significance of this alteration remains unclear.

NM_005896.4(IDH1):c.379C>T (p.Pro127Ser)

Gene: IDH1 (isocitrate dehydrogenase (NADP(+)) 1; minus strand). Cytogenetic location: 2q34.
Variant type: single nucleotide variant.
Coding change: c.379C>T on transcript NM_005896.4 (MANE Select); coding-DNA position 379, C replaced by T.
Protein change: p.Pro127Ser; replaces proline 127 with serine.
Molecular consequence: missense variant.
Genome position (GRCh38, 1-based): chr2:208,248,404, G>A on the plus strand (C>T on the coding strand, the complement: IDH1 is on the minus strand). VCF-style: chr2-208248404-G-A. GRCh37 (hg19) VCF-style: chr2-209113128-G-A.
Other names: c.379C>T, p.Pro127Ser (NM_001282386.1, NM_001282387.1); short protein forms P127S.
Identifiers: ClinVar variation 1735018 (VCV001735018.3), dbSNP rs751189315, ClinGen allele CA350101090.